The following is an entry in ClinVar:

ClinVar aggregate classification (germline): Benign/Likely benign. Review status: criteria provided, multiple submitters, no conflicts (2 of 4 stars). 3 submissions from 3 submitters: Benign (1); Likely benign (1). 1 of the submissions does not count toward it. Last evaluated 2026-07-01.

Conditions:
ITPR3-related disorder. Also called: ITPR3-related condition.

Allele frequency attached by ClinVar (database versions not stated): 1000 Genomes Project 30x 0.00125; 1000 Genomes Project 0.00140; ExAC 0.00189; gnomAD exomes 0.00207 and 0.00377; TOPMed 0.00223; gnomAD 0.00232 and 0.00237; ESP Exome Variant Server 0.00315.
gnomAD v4.1: 5,785 of 1,614,194 alleles (0.36%); highest among the groups gnomAD compares: Non-Finnish European, 0.46%; 16 homozygotes.

Submissions (3):

CeGaT Center for Human Genetics Tuebingen
Classification: Likely benign. Last evaluated: 2026-07-01. Review status: criteria provided, single submitter. Criteria: CeGaT Center For Human Genetics Tuebingen Variant Classification Criteria Version 2. Collection method: clinical testing. Allele origin: germline. Affected: yes. Observed: 7 variant alleles.
Comment: ITPR3: BP4, BP7, BS2

Labcorp Genetics (formerly Invitae), Labcorp
Classification: Benign. Last evaluated: 2019-12-31. Review status: criteria provided, single submitter. Criteria: Invitae Variant Classification Sherloc (09022015). Collection method: clinical testing. Allele origin: germline.

PreventionGenetics, part of Exact Sciences
Classification: Likely benign for ITPR3-related condition. Last evaluated: 2019-03-14. Review status: no assertion criteria provided. Collection method: clinical testing. Allele origin: germline. Not counted in ClinVar's aggregate classification.
Comment: This variant is classified as likely benign based on ACMG/AMP sequence variant interpretation guidelines (Richards et al. 2015 PMID: 25741868, with internal and published modifications).

NM_002224.4(ITPR3):c.1341C>T (p.Asp447=)

Gene: ITPR3 (inositol 1,4,5-trisphosphate receptor type 3; plus strand). Cytogenetic location: 6p21.31.
Variant type: single nucleotide variant.
Coding change: c.1341C>T on transcript NM_002224.4 (MANE Select); coding-DNA position 1341, C replaced by T.
Protein change: p.Asp447=; no amino-acid change (aspartic acid 447 retained).
Molecular consequence: synonymous variant.
Genome position (GRCh38, 1-based): chr6:33,665,145, C>T. VCF-style: chr6-33665145-C-T. GRCh37 (hg19) VCF-style: chr6-33632922-C-T.
Identifiers: ClinVar variation 713893 (VCV000713893.14), dbSNP rs138821995, ClinGen allele CA3760239.